The following is an entry in ClinVar:

ClinVar aggregate classification (germline): Likely benign. Review status: criteria provided, multiple submitters, no conflicts (2 of 4 stars). 3 submissions from 3 submitters: Likely benign (3). Last evaluated 2024-07-01.

Conditions:
Spastic ataxia 2. Also called: Ataxia, spastic, 2, autosomal recessive. Identifiers: Orphanet 397946, MedGen C1969796, MONDO:0012651, OMIM 611302.

Allele frequency attached by ClinVar (database versions not stated): ExAC 0.00003; gnomAD exomes 0.00003; TOPMed 0.00003; gnomAD 0.00007.

Submissions (3):

CeGaT Center for Human Genetics Tuebingen
Classification: Likely benign. Last evaluated: 2024-07-01. Review status: criteria provided, single submitter. Criteria: CeGaT Center For Human Genetics Tuebingen Variant Classification Criteria Version 2. Collection method: clinical testing. Allele origin: germline. Affected: yes. Observed: 1 variant allele.
Comment: KIF1C: BP4, BP7

Labcorp Genetics (formerly Invitae), Labcorp
Classification: Likely benign for Spastic ataxia 2. Last evaluated: 2023-10-03. Review status: criteria provided, single submitter. Criteria: Invitae Variant Classification Sherloc (09022015). Collection method: clinical testing. Allele origin: germline.

Blueprint Genetics
Classification: Likely benign. Last evaluated: 2022-11-24. Review status: criteria provided, single submitter. Criteria: ACMG Guidelines, 2015. Collection method: clinical testing. Allele origin: germline.

NM_006612.6(KIF1C):c.1851G>A (p.Pro617=)

Genes: KIF1C (kinesin family member 1C; plus strand), LOC126862473 (CDK7 strongly-dependent group 2 enhancer GRCh37_chr17:4923264-4924463; plus strand). Cytogenetic location: 17p13.2.
Variant type: single nucleotide variant.
Coding change: c.1851G>A on transcript NM_006612.6 (MANE Select); coding-DNA position 1851, G replaced by A.
Protein change: p.Pro617=; no amino-acid change (proline 617 retained).
Molecular consequence: synonymous variant.
Genome position (GRCh38, 1-based): chr17:5,020,592, G>A. VCF-style: chr17-5020592-G-A. GRCh37 (hg19) VCF-style: chr17-4923887-G-A.
Identifiers: ClinVar variation 2048436 (VCV002048436.22), dbSNP rs763850614, ClinGen allele CA8319132.